The following is an entry in ClinVar:

NM_001013838.3(CARMIL2):c.913G>A (p.Ala305Thr)

Gene: CARMIL2 (capping protein regulator and myosin 1 linker 2; plus strand). Cytogenetic location: 16q22.1.
Variant type: single nucleotide variant.
Coding change: c.913G>A on transcript NM_001013838.3 (MANE Select); coding-DNA position 913, G replaced by A.
Protein change: p.Ala305Thr; replaces alanine 305 with threonine.
Molecular consequence: missense variant.
Genome position (GRCh38, 1-based): chr16:67,647,721, G>A. VCF-style: chr16-67647721-G-A. GRCh37 (hg19) VCF-style: chr16-67681624-G-A.
Other names: c.913G>A, p.Ala305Thr (NM_001317026.3); short protein forms A305T.
Identifiers: ClinVar variation 2768126 (VCV002768126.3), dbSNP rs750519006, ClinGen allele CA396333204.
Genomic context (GRCh38, chr16:67,647,721, plus strand): 5'-GCTGTTCCCACCCCCCAAGGCATGACTGCACTCAGCAGACACCTCGAGCGTTGTCCAGGA[G>A]CCCTGAGGAGACTCAGCCTGGCCCAGACAGGGTTGACACCGCGAGGTAGGCTGGATGAGG-3'
Protein context (NP_001013860.1, residues 295-315): LSRHLERCPG[Ala305Thr]LRRLSLAQTG

ClinVar aggregate classification (germline): Uncertain significance (1 of 4 stars; one submission).

Submission:

Labcorp Genetics (formerly Invitae), Labcorp
Classification: Uncertain significance. Last evaluated: 2023-10-13. Review status: criteria provided, single submitter. Criteria: Invitae Variant Classification Sherloc (09022015). Collection method: clinical testing. Allele origin: germline.
Comment: This sequence change replaces alanine, which is neutral and non-polar, with threonine, which is neutral and polar, at codon 305 of the CARMIL2 protein (p.Ala305Thr). This variant is not present in population databases (gnomAD no frequency). This variant has not been reported in the literature in individuals affected with CARMIL2-related conditions. Advanced modeling of protein sequence and biophysical properties (such as structural, functional, and spatial information, amino acid conservation, physicochemical variation, residue mobility, and thermodynamic stability) performed at Invitae indicates that this missense variant is not expected to disrupt CARMIL2 protein function. In summary, the available evidence is currently insufficient to determine the role of this variant in disease. Therefore, it has been classified as a Variant of Uncertain Significance.